The following is an entry in ClinVar:

NM_001190737.2(NFIB):c.1220A>T (p.Asp407Val)

Gene: NFIB (nuclear factor I B; minus strand). Cytogenetic location: 9p23.
Variant type: single nucleotide variant.
Coding change: c.1220A>T on transcript NM_001190737.2 (MANE Select); coding-DNA position 1220, A replaced by T.
Protein change: p.Asp407Val; replaces aspartic acid 407 with valine.
Molecular consequence: missense variant. On other transcripts: non-coding transcript variant (4).
Genome position (GRCh38, 1-based): chr9:14,120,465, T>A on the plus strand (A>T on the coding strand, the complement: NFIB is on the minus strand). VCF-style: chr9-14120465-T-A. GRCh37 (hg19) VCF-style: chr9-14120464-T-A.
Other names: c.1298A>T, p.Asp433Val (NM_001190738.2); c.464A>T, p.Asp155Val (NM_001282787.2); c.1163A>T, p.Asp388Val (NM_001369477.1); c.983A>T, p.Asp328Val (NM_001369478.1, NM_001369470.1); c.683A>T, p.Asp228Val (NM_001369479.1, NM_001369480.1); c.1220A>T, p.Asp407Val (NM_001429577.1, NM_005596.3, NM_001369461.1 and 1 more transcripts); c.995A>T, p.Asp332Val (NM_001369475.1); c.1193A>T, p.Asp398Val (NM_001369476.1, NM_001369465.1, NM_001369467.1); and 6 more; short protein forms D155V, D228V, D328V, D332V, D359V, D388V, D398V, D401V.
Identifiers: ClinVar variation 4536461 (VCV004536461.1).

ClinVar aggregate classification (germline): Uncertain significance (1 of 4 stars; one submission).

Submission:

GeneDx
Classification: Uncertain significance. Last evaluated: 2025-06-05. Review status: criteria provided, single submitter. Criteria: GeneDx Variant Classification Process June 2021. Collection method: clinical testing. Allele origin: germline. Affected: yes.
Comment: Not observed at significant frequency in large population cohorts (gnomAD); In silico analysis supports that this missense variant has a deleterious effect on protein structure/function; Has not been previously published as pathogenic or benign to our knowledge